The following is an entry in ClinVar:

NM_001378030.1(CCDC78):c.1054-3T>C

Gene: CCDC78 (coiled-coil domain containing 78; minus strand). Cytogenetic location: 16p13.3.
Variant type: single nucleotide variant.
Coding change: c.1054-3T>C on transcript NM_001378030.1 (MANE Select); 3 bases into the intron before coding-DNA position 1054, T replaced by C.
Molecular consequence: intron variant.
Genome position (GRCh38, 1-based): chr16:723,939, A>G on the plus strand (T>C on the coding strand, the complement: CCDC78 is on the minus strand). VCF-style: chr16-723939-A-G. GRCh37 (hg19) VCF-style: chr16-773939-A-G.
Other names: c.487-3T>C (NM_001378033.1); c.953+383T>C (NM_001378031.1); c.1054-3T>C (NM_001031737.3).
Identifiers: ClinVar variation 473247 (VCV000473247.8), dbSNP rs371542042, ClinGen allele CA7789274.

ClinVar aggregate classification (germline): Uncertain significance (1 of 4 stars; one submission).

Conditions:
Congenital myopathy with internal nuclei and atypical cores. Also called: Myopathy, centronuclear, 4. Identifiers: Orphanet 319160, MedGen C4707232, MONDO:0013890, OMIM 614807.

Allele frequency attached by ClinVar (database versions not stated): ExAC 0.00003; gnomAD exomes 0.00003; ESP Exome Variant Server 0.00008; TOPMed 0.00014; gnomAD 0.00016.
gnomAD v4.1: 42 of 1,603,200 alleles (0.0026%); highest among the groups gnomAD compares: African/African-American, 0.051%; no homozygotes.

Submission:

Labcorp Genetics (formerly Invitae), Labcorp
Classification: Uncertain significance for Congenital myopathy with internal nuclei and atypical cores. Last evaluated: 2025-03-31. Review status: criteria provided, single submitter. Criteria: Invitae Variant Classification Sherloc (09022015). Collection method: clinical testing. Allele origin: germline.
Comment: This sequence change falls in intron 10 of the CCDC78 gene. It does not directly change the encoded amino acid sequence of the CCDC78 protein. It affects a nucleotide within the consensus splice site. This variant is present in population databases (rs371542042, gnomAD 0.05%), and has an allele count higher than expected for a pathogenic variant. This variant has not been reported in the literature in individuals affected with CCDC78-related conditions. ClinVar contains an entry for this variant (Variation ID: 473247). Variants that disrupt the consensus splice site are a relatively common cause of aberrant splicing (PMID: 17576681, 9536098). Algorithms developed to predict the effect of sequence changes on RNA splicing suggest that this variant is not likely to affect RNA splicing. In summary, the available evidence is currently insufficient to determine the role of this variant in disease. Therefore, it has been classified as a Variant of Uncertain Significance.

Literature cited by the submitters: PubMed 17576681; PubMed 9536098.